The following is an entry in ClinVar:

ClinVar aggregate classification (germline): Uncertain significance. Review status: criteria provided, multiple submitters, no conflicts (2 of 4 stars). 2 submissions from 2 submitters: Uncertain significance (2). Last evaluated 2022-12-20.

Conditions:
Developmental and epileptic encephalopathy, 42 (DEE42A). Also called: Epileptic encephalopathy, early infantile, 42; DEVELOPMENTAL AND EPILEPTIC ENCEPHALOPATHY 42A; EPILEPTIC ENCEPHALOPATHY, EARLY INFANTILE, 42A. Identifiers: MedGen C4310716, MONDO:0014917, OMIM 617106.
Episodic ataxia type 2 (EA2). Also called: ATAXIA, EPISODIC, WITH NYSTAGMUS; ATAXIA, FAMILIAL PAROXYSMAL; CEREBELLAR ATAXIA, PAROXYSMAL, ACETAZOLAMIDE-RESPONSIVE; CEREBELLOPATHY, HEREDITARY PAROXYSMAL; EPISODIC ATAXIA, NYSTAGMUS-ASSOCIATED; ACETAZOLAMIDE-RESPONSIVE HEREDITARY PAROXYSMAL CEREBELLAR ATAXIA. Identifiers: Orphanet 97, MedGen C1720416, MONDO:0007163, OMIM 108500.
Inborn genetic diseases. Identifiers: MedGen C0950123, MeSH D030342.

Allele frequency attached by ClinVar (database versions not stated): TOPMed below 0.00001; ExAC 0.00003.
gnomAD v4.1: 20 of 1,579,372 alleles (0.0013%); highest among the groups gnomAD compares: Middle Eastern, 0.017%; no homozygotes.

Submissions (2):

Labcorp Genetics (formerly Invitae), Labcorp
Classification: Uncertain significance for Developmental and epileptic encephalopathy, 42; Episodic ataxia type 2. Last evaluated: 2022-12-20. Review status: criteria provided, single submitter. Criteria: Invitae Variant Classification Sherloc (09022015). Collection method: clinical testing. Allele origin: germline.
Comment: Advanced modeling of protein sequence and biophysical properties (such as structural, functional, and spatial information, amino acid conservation, physicochemical variation, residue mobility, and thermodynamic stability) performed at Invitae indicates that this missense variant is not expected to disrupt CACNA1A protein function. This variant has not been reported in the literature in individuals affected with CACNA1A-related conditions. This variant is present in population databases (rs770618033, gnomAD 0.004%). This sequence change replaces proline, which is neutral and non-polar, with serine, which is neutral and polar, at codon 883 of the CACNA1A protein (p.Pro883Ser). In summary, the available evidence is currently insufficient to determine the role of this variant in disease. Therefore, it has been classified as a Variant of Uncertain Significance.

Ambry Genetics
Classification: Uncertain significance for Inborn genetic diseases. Last evaluated: 2022-10-26. Review status: criteria provided, single submitter. Criteria: Ambry Variant Classification Scheme 2023. Collection method: clinical testing. Allele origin: germline.

NM_001127222.2(CACNA1A):c.2644C>T (p.Pro882Ser)

Gene: CACNA1A (calcium voltage-gated channel subunit alpha1 A; minus strand). Cytogenetic location: 19p13.13.
Variant type: single nucleotide variant.
Coding change: c.2644C>T on transcript NM_001127222.2 (MANE Select); coding-DNA position 2644, C replaced by T.
Protein change: p.Pro882Ser; replaces proline 882 with serine.
Molecular consequence: missense variant.
Genome position (GRCh38, 1-based): chr19:13,298,989, G>A on the plus strand (C>T on the coding strand, the complement: CACNA1A is on the minus strand). VCF-style: chr19-13298989-G-A. GRCh37 (hg19) VCF-style: chr19-13409803-G-A.
Other names: c.2656C>T, p.Pro886Ser (NM_000068.4, NM_023035.3); c.2647C>T, p.Pro883Ser (NM_001127221.2, NM_001174080.2); short protein forms P882S, P883S, P886S.
Identifiers: ClinVar variation 2319717 (VCV002319717.5), dbSNP rs770618033, ClinGen allele CA9240509.